The following is an entry in ClinVar:

ClinVar aggregate classification (germline): Uncertain significance. Review status: criteria provided, multiple submitters, no conflicts (2 of 4 stars). 2 submissions from 2 submitters: Uncertain significance (2). Last evaluated 2024-07-17.

Conditions:
Ataxia-telangiectasia syndrome (AT). Also called: LOUIS-BAR SYNDROME; Cerebello-oculocutaneous telangiectasia; Immunodeficiency with ataxia telangiectasia; Ataxia-telangiectasia, complementation group D; AT, COMPLEMENTATION GROUP C; ATAXIA-TELANGIECTASIA, COMPLEMENTATION GROUP A. Identifiers: Orphanet 100, MedGen C0004135, MONDO:0008840, OMIM 208900.
Hereditary cancer-predisposing syndrome. Also called: Tumor predisposition; Neoplastic Syndromes, Hereditary; Hereditary Cancer Syndrome; Hereditary neoplastic syndrome. Identifiers: Orphanet 140162, MedGen C0027672, MeSH D009386, MONDO:0015356.

Submissions (2):

Labcorp Genetics (formerly Invitae), Labcorp
Classification: Uncertain significance for Ataxia-telangiectasia syndrome. Last evaluated: 2024-07-17. Review status: criteria provided, single submitter. Criteria: Invitae Variant Classification Sherloc (09022015). Collection method: clinical testing. Allele origin: germline.
Comment: This sequence change replaces leucine, which is neutral and non-polar, with phenylalanine, which is neutral and non-polar, at codon 643 of the ATM protein (p.Leu643Phe). This variant is not present in population databases (gnomAD no frequency). This variant has not been reported in the literature in individuals affected with ATM-related conditions. ClinVar contains an entry for this variant (Variation ID: 1782788). An algorithm developed to predict the effect of missense changes on protein structure and function (PolyPhen-2) suggests that this variant is likely to be tolerated. Algorithms developed to predict the effect of sequence changes on RNA splicing suggest that this variant may create or strengthen a splice site. In summary, the available evidence is currently insufficient to determine the role of this variant in disease. Therefore, it has been classified as a Variant of Uncertain Significance.

Ambry Genetics
Classification: Uncertain significance for Hereditary cancer-predisposing syndrome. Last evaluated: 2021-03-22. Review status: criteria provided, single submitter. Criteria: Ambry Variant Classification Scheme 2023. Collection method: clinical testing. Allele origin: germline.
Comment: The p.L643F variant (also known as c.1927C>T), located in coding exon 12 of the ATM gene, results from a C to T substitution at nucleotide position 1927. The leucine at codon 643 is replaced by phenylalanine, an amino acid with highly similar properties. This amino acid position is poorly conserved in available vertebrate species. In addition, this alteration is predicted to be tolerated by in silico analysis. Since supporting evidence is limited at this time, the clinical significance of this alteration remains unclear.

NM_000051.4(ATM):c.1927C>T (p.Leu643Phe)

Gene: ATM (ATM serine/threonine kinase; plus strand). Cytogenetic location: 11q22.3.
Variant type: single nucleotide variant.
Coding change: c.1927C>T on transcript NM_000051.4 (MANE Select); coding-DNA position 1927, C replaced by T.
Protein change: p.Leu643Phe; replaces leucine 643 with phenylalanine.
Molecular consequence: missense variant.
Genome position (GRCh38, 1-based): chr11:108,253,842, C>T. VCF-style: chr11-108253842-C-T. GRCh37 (hg19) VCF-style: chr11-108124569-C-T.
Other names: c.1927C>T, p.Leu643Phe (NM_001351834.2); short protein forms L643F.
Identifiers: ClinVar variation 1782788 (VCV001782788.5), dbSNP rs1565389730, ClinGen allele CA382536508.